The following is an entry in ClinVar:

NM_000038.6(APC):c.685C>G (p.Leu229Val)

Gene: APC (APC regulator of Wnt signaling pathway; plus strand). Cytogenetic location: 5q22.2.
Variant type: single nucleotide variant.
Coding change: c.685C>G on transcript NM_000038.6 (MANE Select); coding-DNA position 685, C replaced by G.
Protein change: p.Leu229Val; replaces leucine 229 with valine.
Molecular consequence: missense variant. On other transcripts: 5 prime UTR variant (1), intron variant (2).
Genome position (GRCh38, 1-based): chr5:112,792,485, C>G. VCF-style: chr5-112792485-C-G. GRCh37 (hg19) VCF-style: chr5-112128182-C-G.
Other names: c.685C>G, p.Leu229Val (NM_001127510.3, NM_001354895.2, NM_001354896.2 and 12 more transcripts); c.715C>G, p.Leu239Val (NM_001354897.2, NM_001354902.2, NM_001407446.1); c.610C>G, p.Leu204Val (NM_001354898.2, NM_001354904.2, NM_001407451.1); c.508C>G, p.Leu170Val (NM_001354900.2, NM_001354901.2, NM_001354905.2 and 1 more transcripts); c.-351C>G (NM_001354906.2, NM_001407470.1, NM_001407471.1 and 1 more transcripts); c.676-8794C>G (NM_001127511.3); c.646-8794C>G (NM_001354899.2); short protein forms L229V, L239V, L204V, L170V.
Identifiers: ClinVar variation 1755826 (VCV001755826.2), dbSNP rs1580423911, ClinGen allele CA16022837.

ClinVar aggregate classification (germline): Uncertain significance (1 of 4 stars; one submission).

Conditions:
Hereditary cancer-predisposing syndrome. Also called: Neoplastic Syndromes, Hereditary; Tumor predisposition; Hereditary Cancer Syndrome; Hereditary neoplastic syndrome. Identifiers: Orphanet 140162, MedGen C0027672, MeSH D009386, MONDO:0015356.

Allele frequency attached by ClinVar (database versions not stated): gnomAD exomes below 0.00001.
gnomAD v4.1: 1 of 1,612,464 alleles (0.000062%); highest among the groups gnomAD compares: South Asian, 0.0011%; no homozygotes.

Submission:

Ambry Genetics
Classification: Uncertain significance for Hereditary cancer-predisposing syndrome. Last evaluated: 2020-07-28. Review status: criteria provided, single submitter. Criteria: Ambry Variant Classification Scheme 2023. Collection method: clinical testing. Allele origin: germline.
Comment: The p.L229V variant (also known as c.685C>G), located in coding exon 6 of the APC gene, results from a C to G substitution at nucleotide position 685. The leucine at codon 229 is replaced by valine, an amino acid with highly similar properties. This amino acid position is highly conserved in available vertebrate species. In addition, in silico predictors for this gene do not accurately predict pathogenicity. Since supporting evidence is limited at this time, the clinical significance of this alteration remains unclear.